The following is an entry in ClinVar:

NM_002439.5(MSH3):c.3130+3A>G

Gene: MSH3 (mutS homolog 3; plus strand). Cytogenetic location: 5q14.1.
Variant type: single nucleotide variant.
Coding change: c.3130+3A>G on transcript NM_002439.5 (MANE Select); 3 bases into the intron after coding-DNA position 3130, A replaced by G.
Molecular consequence: intron variant.
Genome position (GRCh38, 1-based): chr5:80,864,945, A>G. VCF-style: chr5-80864945-A-G. GRCh37 (hg19) VCF-style: chr5-80160764-A-G.
Identifiers: ClinVar variation 666138 (VCV000666138.18), dbSNP rs768841078, ClinGen allele CA121752179.

ClinVar aggregate classification (germline): Conflicting classifications of pathogenicity. Review status: criteria provided, conflicting classifications (1 of 4 stars). 5 submissions from 5 submitters: Likely pathogenic (1); Uncertain significance (4). Last evaluated 2026-01-27.

Conditions:
Hereditary cancer-predisposing syndrome. Also called: Hereditary Cancer Syndrome; Hereditary neoplastic syndrome; Neoplastic Syndromes, Hereditary; Tumor predisposition. Identifiers: Orphanet 140162, MedGen C0027672, MeSH D009386, MONDO:0015356.
Endometrial carcinoma. Also called: Endometrial carcinoma, somatic. Identifiers: MedGen C0476089, MONDO:0002447, OMIM 608089, HP:0012114.

Allele frequency attached by ClinVar (database versions not stated): gnomAD exomes 0.00001 and 0.00002; TOPMed 0.00002; gnomAD 0.00001.
gnomAD v4.1: 11 of 1,613,642 alleles (0.00068%); highest among the groups gnomAD compares: Admixed American, 0.0067%; no homozygotes.

Submissions (5):

Labcorp Genetics (formerly Invitae), Labcorp
Classification: Uncertain significance. Last evaluated: 2026-01-27. Review status: criteria provided, single submitter. Criteria: Invitae Variant Classification Sherloc (09022015). Collection method: clinical testing. Allele origin: germline.
Comment: This sequence change falls in intron 22 of the MSH3 gene. It does not directly change the encoded amino acid sequence of the MSH3 protein. RNA analysis indicates that this variant induces altered splicing and may result in an absent or altered protein product. This variant is present in population databases (rs768841078, gnomAD 0.009%). This variant has been observed in individual(s) with colorectal cancer (PMID: 25142776). ClinVar contains an entry for this variant (Variation ID: 666138). Variants that disrupt the consensus splice site are a relatively common cause of aberrant splicing (PMID: 17576681, 9536098). Studies have shown that this variant results in skipping of exon 22, and produces a non-functional protein and/or introduces a premature termination codon (internal data). In summary, the available evidence is currently insufficient to determine the role of this variant in disease. Therefore, it has been classified as a Variant of Uncertain Significance.

ARUP Laboratories, Molecular Genetics and Genomics, ARUP Laboratories
Classification: Uncertain significance. Last evaluated: 2025-07-18. Review status: criteria provided, single submitter. Criteria: ARUP Molecular Germline Variant Investigation Process 2024. Collection method: clinical testing. Allele origin: germline.
Comment: The MSH3 c.3130+3A>G variant (rs768841078, ClinVar Variation ID: 666138) is reported in the literature in an individual affected with colorectal cancer (Kraus 2015). This variant is found in the general population with an overall allele frequency of 0.002% (4/251,110 alleles) in the Genome Aggregation Database (v2.1.1). This is an intronic variant and computational analyses (Alamut Visual Plus v.1.12) predict that this variant may impact splicing by weakening the nearby canonical donor splice site. However, given the lack of clinical and functional data, the significance of this variant is uncertain at this time. References: Kraus C et al. Comprehensive screening for mutations associated with colorectal cancer in unselected cases reveals penetrant and nonpenetrant mutations. Int J Cancer. 2015 Mar 15;136(6):E559-68. PMID: 25142776.

Dasa
Classification: Uncertain significance. Last evaluated: 2025-06-22. Review status: criteria provided, single submitter. Criteria: DASA Assertion Criteria. Collection method: clinical testing. Allele origin: germline.
Comment: NM_002439.5(MSH3):c.3130+3A>G is a splice-region variant predicted to affect normal RNA splicing. This variant is rare in population databases. Computational prediction algorithms are consistent with a deleterious effect. The currently available literature and clinical evidence are not sufficient to establish a definitive association between this variant and the reported condition. Therefore, this variant is classified as a variant of uncertain significance.

Ambry Genetics
Classification: Uncertain significance for Hereditary cancer-predisposing syndrome. Last evaluated: 2025-04-17. Review status: criteria provided, single submitter. Criteria: Ambry Variant Classification Scheme 2023. Collection method: clinical testing. Allele origin: germline.
Comment: The c.3130+3A>G intronic variant results from an A to G substitution 3 nucleotides after coding exon 22 in the MSH3 gene. This nucleotide position is highly conserved in available vertebrate species. This alteration has been reported as an uncertain variant in a cohort of 152 colorectal cancer patients (Kraus C et al. Int J Cancer, 2015 Mar;136:E559-68). In silico splice site analysis predicts that this alteration will weaken the native splice donor site. RNA studies have demonstrated that this alteration results in a splice defect; the clinical impact of this abnormal splicing is unknown at this time (Ambry internal data). Based on the available evidence, the clinical significance of this alteration remains unclear.

Baylor Genetics
Classification: Likely pathogenic for Endometrial carcinoma. Last evaluated: 2024-02-23. Review status: criteria provided, single submitter. Criteria: ACMG Guidelines, 2015. Collection method: clinical testing. Allele origin: unknown.

Literature cited by the submitters: PubMed 25142776 (cited by Labcorp Genetics (formerly Invitae), Labcorp and Ambry Genetics); PubMed 17576681 (cited by Labcorp Genetics (formerly Invitae), Labcorp); PubMed 9536098 (cited by Labcorp Genetics (formerly Invitae), Labcorp).